The following is an entry in ClinVar:

ClinVar aggregate classification (germline): Uncertain significance (1 of 4 stars; one submission).

Conditions:
Neuroblastoma, susceptibility to, 3. Also called: ALK-Related Neuroblastic Tumor Susceptibility. Identifiers: Orphanet 635, MedGen C2751681, MONDO:0013083, OMIM 613014.

gnomAD v4.1: 1 of 1,613,826 alleles (0.000062%); highest among the groups gnomAD compares: South Asian, 0.0011%; no homozygotes.

Submission:

Labcorp Genetics (formerly Invitae), Labcorp
Classification: Uncertain significance for Neuroblastoma, susceptibility to, 3. Last evaluated: 2025-04-07. Review status: criteria provided, single submitter. Criteria: Invitae Variant Classification Sherloc (09022015). Collection method: clinical testing. Allele origin: germline.
Comment: This sequence change replaces glutamine, which is neutral and polar, with arginine, which is basic and polar, at codon 512 of the ALK protein (p.Gln512Arg). This variant is present in population databases (rs747203243, gnomAD 0.003%). This variant has not been reported in the literature in individuals affected with ALK-related conditions. ClinVar contains an entry for this variant (Variation ID: 3658368). An algorithm developed to predict the effect of missense changes on protein structure and function (PolyPhen-2) suggests that this variant is likely to be tolerated. In summary, the available evidence is currently insufficient to determine the role of this variant in disease. Therefore, it has been classified as a Variant of Uncertain Significance.

NM_004304.5(ALK):c.1535A>G (p.Gln512Arg)

Gene: ALK (ALK receptor tyrosine kinase; minus strand). Cytogenetic location: 2p23.2.
Variant type: single nucleotide variant.
Coding change: c.1535A>G on transcript NM_004304.5 (MANE Select); coding-DNA position 1535, A replaced by G.
Protein change: p.Gln512Arg; replaces glutamine 512 with arginine.
Molecular consequence: missense variant.
Genome position (GRCh38, 1-based): chr2:29,320,762, T>C on the plus strand (A>G on the coding strand, the complement: ALK is on the minus strand). VCF-style: chr2-29320762-T-C. GRCh37 (hg19) VCF-style: chr2-29543628-T-C.
Other names: short protein forms Q512R.
Identifiers: ClinVar variation 3658368 (VCV003658368.2).